The following is an entry in ClinVar:

NM_003282.4(TNNI2):c.541G>A (p.Glu181Lys)

Gene: TNNI2 (troponin I2, fast skeletal type; plus strand). Cytogenetic location: 11p15.5.
Variant type: single nucleotide variant.
Coding change: c.541G>A on transcript NM_003282.4 (MANE Select); coding-DNA position 541, G replaced by A.
Protein change: p.Glu181Lys; replaces glutamic acid 181 with lysine.
Molecular consequence: missense variant.
Genome position (GRCh38, 1-based): chr11:1,841,543, G>A. VCF-style: chr11-1841543-G-A. GRCh37 (hg19) VCF-style: chr11-1862773-G-A.
Other names: c.541G>A, p.Glu181Lys (NM_001145829.2, NM_001145841.2); short protein forms E181K.
Identifiers: ClinVar variation 3359802 (VCV003359802.1).
Genomic context (GRCh38, chr11:1,841,543, plus strand): 5'-TGGAGGAAGAACATCGAGGAGAAGTCTGGCATGGAGGGCCGGAAGAAGATGTTTGAGTCC[G>A]AGTCCTAGGCCACTCGCTGCCCCTACGCCTGCCCCGGTGCCCGGCTCCCAGCAGAACATA-3'
Protein context (NP_003273.1, residues 171-182): MEGRKKMFES[Glu181Lys]S

ClinVar aggregate classification (germline): Uncertain significance (1 of 4 stars; one submission).

Submission:

GeneDx
Classification: Uncertain significance. Last evaluated: 2023-06-14. Review status: criteria provided, single submitter. Criteria: GeneDx Variant Classification Process June 2021. Collection method: clinical testing. Allele origin: germline. Affected: yes.
Comment: Missense variants in this gene are often considered pathogenic (HGMD); In silico analysis supports that this missense variant does not alter protein structure/function; Has not been previously published as pathogenic or benign to our knowledge; This variant is associated with the following publications: (PMID: 18331830)